The following is an entry in ClinVar:

ClinVar aggregate classification (germline): Uncertain significance (1 of 4 stars; one submission).

Conditions:
Familial hemiplegic migraine. Identifiers: MedGen C0338484, MONDO:0000700.

Submission:

Labcorp Genetics (formerly Invitae), Labcorp
Classification: Uncertain significance for Familial hemiplegic migraine. Last evaluated: 2024-03-28. Review status: criteria provided, single submitter. Criteria: Invitae Variant Classification Sherloc (09022015). Collection method: clinical testing. Allele origin: germline.
Comment: This sequence change replaces threonine, which is neutral and polar, with isoleucine, which is neutral and non-polar, at codon 776 of the ATP1A2 protein (p.Thr776Ile). This variant is not present in population databases (gnomAD no frequency). This variant has not been reported in the literature in individuals affected with ATP1A2-related conditions. Advanced modeling of protein sequence and biophysical properties (such as structural, functional, and spatial information, amino acid conservation, physicochemical variation, residue mobility, and thermodynamic stability) performed at Invitae indicates that this missense variant is not expected to disrupt ATP1A2 protein function with a negative predictive value of 80%. In summary, the available evidence is currently insufficient to determine the role of this variant in disease. Therefore, it has been classified as a Variant of Uncertain Significance.

NM_000702.4(ATP1A2):c.2327C>T (p.Thr776Ile)

Gene: ATP1A2 (ATPase Na+/K+ transporting subunit alpha 2; plus strand). Cytogenetic location: 1q23.2.
Variant type: single nucleotide variant.
Coding change: c.2327C>T on transcript NM_000702.4 (MANE Select); coding-DNA position 2327, C replaced by T.
Protein change: p.Thr776Ile; replaces threonine 776 with isoleucine.
Molecular consequence: missense variant.
Genome position (GRCh38, 1-based): chr1:160,135,881, C>T. VCF-style: chr1-160135881-C-T. GRCh37 (hg19) VCF-style: chr1-160105671-C-T.
Other names: short protein forms T776I.
Identifiers: ClinVar variation 2753428 (VCV002753428.3), dbSNP rs2524888410, ClinGen allele CA343250200.